The following is an entry in ClinVar:

ClinVar aggregate classification (germline): Uncertain significance (1 of 4 stars; one submission).

Allele frequency attached by ClinVar (database versions not stated): gnomAD exomes below 0.00001 and 0.00001; ExAC 0.00001.

Submission:

Labcorp Genetics (formerly Invitae), Labcorp
Classification: Uncertain significance. Last evaluated: 2023-12-11. Review status: criteria provided, single submitter. Criteria: Invitae Variant Classification Sherloc (09022015). Collection method: clinical testing. Allele origin: germline.
Comment: This sequence change replaces methionine, which is neutral and non-polar, with isoleucine, which is neutral and non-polar, at codon 100 of the CCDC88A protein (p.Met100Ile). This variant is present in population databases (rs757688443, gnomAD 0.009%). This variant has not been reported in the literature in individuals affected with CCDC88A-related conditions. ClinVar contains an entry for this variant (Variation ID: 1513167). An algorithm developed to predict the effect of missense changes on protein structure and function (PolyPhen-2) suggests that this variant is likely to be tolerated. In summary, the available evidence is currently insufficient to determine the role of this variant in disease. Therefore, it has been classified as a Variant of Uncertain Significance.

NM_001365480.1(CCDC88A):c.300G>A (p.Met100Ile)

Gene: CCDC88A (coiled-coil and HOOK domain protein 88A; minus strand). Cytogenetic location: 2p16.1.
Variant type: single nucleotide variant.
Coding change: c.300G>A on transcript NM_001365480.1 (MANE Select); coding-DNA position 300, G replaced by A.
Protein change: p.Met100Ile; replaces methionine 100 with isoleucine.
Molecular consequence: missense variant.
Genome position (GRCh38, 1-based): chr2:55,374,857, C>T on the plus strand (G>A on the coding strand, the complement: CCDC88A is on the minus strand). VCF-style: chr2-55374857-C-T. GRCh37 (hg19) VCF-style: chr2-55601993-C-T.
Other names: c.300G>A, p.Met100Ile (NM_001135597.2, NM_001254943.2, NM_018084.5); short protein forms M100I.
Identifiers: ClinVar variation 1513167 (VCV001513167.8), dbSNP rs757688443, ClinGen allele CA1666437.